The following is an entry in ClinVar:

NM_022455.5(NSD1):c.3004_3005del (p.Lys1002fs)

Gene: NSD1 (nuclear receptor binding SET domain protein 1; plus strand). Cytogenetic location: 5q35.3.
Variant type: Deletion.
Coding change: c.3004_3005del on transcript NM_022455.5 (MANE Select); coding-DNA positions 3004 to 3005, 2 bases deleted (AA; older notation c.3004_3005delAA).
Protein change: p.Lys1002fs; shifts the reading frame from lysine 1002.
Molecular consequence: frameshift variant.
Genome position (GRCh38, 1-based): chr5:177,211,403-177,211,404, AA deleted. VCF-style (leftmost placement, unchanged base first): chr5-177211402-CAA-C. GRCh37 (hg19) VCF-style: chr5-176638403-CAA-C.
Other names: c.2131_2132delAA, p.Lys711Glufs (NM_001365684.2, NM_001409306.1, NM_001409307.1 and 3 more transcripts); c.3004_3005delAA, p.Lys1002Glufs (NM_001409301.1, NM_001409302.1, NM_001409303.1); c.2584_2585delAA, p.Lys862Glufs (NM_001409304.1); c.2251_2252delAA, p.Lys751Glufs (NM_001409305.1); short protein forms K733fs.
Identifiers: ClinVar variation 436061 (VCV000436061.13), dbSNP rs1554189941, ClinGen allele CA645372808.

ClinVar aggregate classification (germline): Pathogenic. Review status: criteria provided, multiple submitters, no conflicts (2 of 4 stars). 5 submissions from 5 submitters: Pathogenic (5). Last evaluated 2026-06-29.

Conditions:
Sotos syndrome (SOTOS). Also called: CEREBRAL GIGANTISM; Sotos' syndrome; Distinctive facial appearance, overgrowth in childhood, and learning disabilities or delayed development; CHROMOSOME 5q35 DELETION SYNDROME; SOTOS SYNDROME 1. Identifiers: Orphanet 821, MedGen C0175695, MONDO:0019349, OMIM 117550.

Submissions (5):

Laboratory of Medical Genetics, University of Torino
Classification: Pathogenic for Sotos syndrome. Last evaluated: 2026-06-29. Review status: criteria provided, single submitter. Criteria: ACMG Guidelines, 2015. Collection method: clinical testing. Allele origin: paternal. Affected: yes.

GeneDx
Classification: Pathogenic. Last evaluated: 2024-08-13. Review status: criteria provided, single submitter. Criteria: GeneDx Variant Classification Process June 2021. Collection method: clinical testing. Allele origin: germline. Affected: yes.
Comment: Frameshift variant predicted to result in protein truncation or nonsense mediated decay in a gene for which loss-of-function is a known mechanism of disease; Not observed in large population cohorts (gnomAD); This variant is associated with the following publications: (PMID: 30719864, 34405946, 28475857, 32746448, 33057194, 35982159, 19876911)

Laboratorio de Genetica e Diagnostico Molecular, Hospital Israelita Albert Einstein
Classification: Pathogenic for Sotos syndrome. Last evaluated: 2024-06-10. Review status: criteria provided, single submitter. Criteria: ACMG Guidelines, 2015. Collection method: clinical testing. Allele origin: germline. Affected: yes.
Comment: ACMG classification criteria: PVS1 very strong, PS4 supporting, PM2 supporting

Genome-Nilou Lab
Classification: Pathogenic for Sotos syndrome. Last evaluated: 2021-07-15. Review status: criteria provided, single submitter. Criteria: ACMG Guidelines, 2015. Collection method: clinical testing. Allele origin: germline. Affected: no.

Genetic Services Laboratory, University of Chicago
Classification: Pathogenic for Sotos syndrome 1. Last evaluated: 2016-12-01. Review status: criteria provided, single submitter. Criteria: ACMG Guidelines, 2015. Collection method: clinical testing. Allele origin: germline. Affected: yes.